The following is an entry in ClinVar:

NM_018972.4(GDAP1):c.310+1G>A

Gene: GDAP1 (ganglioside induced differentiation associated protein 1; plus strand). Cytogenetic location: 8q21.11.
Variant type: single nucleotide variant.
Coding change: c.310+1G>A on transcript NM_018972.4 (MANE Select); the canonical splice donor site of the intron after coding-DNA position 310, G replaced by A.
Molecular consequence: splice donor variant. On other transcripts: intron variant (2).
Genome position (GRCh38, 1-based): chr8:74,351,467, G>A. VCF-style: chr8-74351467-G-A. GRCh37 (hg19) VCF-style: chr8-75263702-G-A.
Other names: c.310+1G>A (NM_001362931.2, NM_001362930.2); c.-18+146G>A (NM_001362929.2); c.-18+889G>A (NM_001362932.2); c.106+1G>A (NM_001040875.4).
Identifiers: ClinVar variation 937106 (VCV000937106.10), dbSNP rs1808872865, ClinGen allele CA371499666.

ClinVar aggregate classification (germline): Pathogenic (1 of 4 stars; one submission).

Conditions:
Charcot-Marie-Tooth disease type 4A. Also called: Charcot-Marie-Tooth disease, demyelinating, autosomal recessive, type 4a. Identifiers: Orphanet 99948, MedGen C1859198, MONDO:0008961, OMIM 214400.

Submission:

Labcorp Genetics (formerly Invitae), Labcorp
Classification: Pathogenic for Charcot-Marie-Tooth disease type 4A. Last evaluated: 2019-10-28. Review status: criteria provided, single submitter. Criteria: Invitae Variant Classification Sherloc (09022015). Collection method: clinical testing. Allele origin: germline.
Comment: This sequence change affects a donor splice site in intron 2 of the GDAP1 gene. It is expected to disrupt RNA splicing and likely results in an absent or disrupted protein product. This variant is not present in population databases (ExAC no frequency). This variant has been observed in individual(s) with clinical features of Charcot-Marie-Tooth disease (Invitae). In at least one individual the data is consistent with the variant being in trans (on the opposite chromosome) from a pathogenic variant. Donor and acceptor splice site variants typically lead to a loss of protein function (PMID: 16199547), and loss-of-function variants in GDAP1 are known to be pathogenic (PMID: 11743580, 20685671). For these reasons, this variant has been classified as Pathogenic.

Literature cited by the submitters: PubMed 16199547; PubMed 11743580; PubMed 20685671.